The following is an entry in ClinVar:

ClinVar aggregate classification (germline): Uncertain significance (1 of 4 stars; one submission).

Submission:

Ambry Genetics
Classification: Uncertain significance. Last evaluated: 2026-03-03. Review status: criteria provided, single submitter. Criteria: Ambry Variant Classification Scheme 2023. Collection method: clinical testing. Allele origin: germline.
Comment: The p.D883E variant (also known as c.2649T>G), located in coding exon 24 of the KIF1B gene, results from a T to G substitution at nucleotide position 2649. The aspartic acid at codon 883 is replaced by glutamic acid, an amino acid with highly similar properties. This amino acid position is conserved. In addition, this alteration is predicted to be tolerated by in silico analysis. Based on the available evidence, the clinical significance of this variant remains unclear.

NM_001365951.3(KIF1B):c.2787T>G (p.Asp929Glu)

Genes: KIF1B (kinesin family member 1B; plus strand), LOC126805614 (BRD4-independent group 4 enhancer GRCh37_chr1:10385546-10386745; plus strand). Cytogenetic location: 1p36.22.
Variant type: single nucleotide variant.
Coding change: c.2787T>G on transcript NM_001365951.3 (MANE Select); coding-DNA position 2787, T replaced by G.
Protein change: p.Asp929Glu; replaces aspartic acid 929 with glutamic acid.
Molecular consequence: missense variant.
Genome position (GRCh38, 1-based): chr1:10,326,222, T>G. VCF-style: chr1-10326222-T-G. GRCh37 (hg19) VCF-style: chr1-10386280-T-G.
Other names: c.2787T>G, p.Asp929Glu (NM_001365952.1); c.2649T>G, p.Asp883Glu (NM_015074.3); short protein forms D929E, D883E.
Identifiers: ClinVar variation 4844529 (VCV004844529.1).
Genomic context (GRCh38, chr1:10,326,222, plus strand): 5'-CTCCCCCACTTTTTCCACGGCCGATTCCGACATCACTGAGCTGGCTGACGAGCAGCAAGA[T>G]GAGATGGAGGATTTTGATGATGAGGCATTCGTGGATGACGCCGGCTCTGACGCAGGGACG-3'
Protein context (NP_001352880.1, residues 919-939): DITELADEQQ[Asp929Glu]EMEDFDDEAF